The following is an entry in ClinVar:

NM_000321.3(RB1):c.1390-17del

Gene: RB1 (RB transcriptional corepressor 1; plus strand). Cytogenetic location: 13q14.2.
Variant type: Deletion.
Coding change: c.1390-17del on transcript NM_000321.3 (MANE Select); 17 bases into the intron before coding-DNA position 1390, one base deleted (T; older notation c.1390-17delT).
Molecular consequence: intron variant.
Genome position (GRCh38, 1-based): chr13:48,380,036, T deleted; the last of 13 consecutive T bases (chr13:48,380,024-48,380,036); deleting any one gives the same sequence. VCF-style (leftmost placement, unchanged base first): chr13-48380023-CT-C. GRCh37 (hg19) VCF-style: chr13-48954159-CT-C.
Other names: c.1390-17delT (NM_000321.2); c.1390-29del (NM_000321.3).
Identifiers: ClinVar variation 495815 (VCV000495815.3), dbSNP rs753535084, ClinGen allele CA6978891.
Genomic context (GRCh38, chr13:48,380,023, plus strand): 5'-AAAAAAAAAAAAAAAAAAAAATTCAATGCTGACACAAATAAGGTTTCAATTAAACAACTT[CT>C]TTTTTTTTTTTTAAATTATCTGTTTCAGGAAGAAGAACGATTATCCATTCAAAATTTTAG-3'

ClinVar aggregate classification (germline): Benign/Likely benign. Review status: criteria provided, multiple submitters, no conflicts (2 of 4 stars). 3 submissions from 3 submitters: Benign (1); Likely benign (2). Last evaluated 2025-09-17.

Conditions:
Hereditary retinoblastoma. Identifiers: Orphanet 357027, MedGen C0751483, MONDO:0018160.

Submissions (3):

Ramesar Group, Division of Human Genetics, Institute of Infectious Diseases and Molecular Medicine, UCT/MRC Genomic and Precision Medicine Research Unit, University of Cape Town
Classification: Likely benign for Hereditary retinoblastoma. Last evaluated: 2025-09-17. Review status: criteria provided, single submitter. Criteria: ACMG Guidelines, 2015. Collection method: research. Allele origin: germline. Affected: no.
Comment: BP5 - Variant found in a patient with a different retinal disease; RB1 is not associated with the phenotype BP7 - A non-coding variant with no predicted effect on splicing (SpliceAI scores are negligible)

Blueprint Genetics
Classification: Likely benign. Last evaluated: 2024-11-27. Review status: criteria provided, single submitter. Criteria: ACMG Guidelines, 2015. Collection method: clinical testing. Allele origin: germline.

Women's Health and Genetics/Laboratory Corporation of America, LabCorp
Classification: Benign. Last evaluated: 2016-05-25. Review status: criteria provided, single submitter. Criteria: LabCorp Variant Classification Summary - May 2015. Collection method: clinical testing. Allele origin: germline.
Comment: Variant summary: The RB1 c.1390-17delT (also known as c.1390-29delT) variant involves the alteration of a N/A intronic nucleotide. One in silico tool predicts a benign outcome for this variant along with 5/5 in silico tools predicting the variant not to have an impact on splicing. This variant was found in 5461/13546 control chromosomes at a frequency of 0.4031448, which greatly exceeds the estimated maximal expected allele frequency of a pathogenic RB1 variant (0.0000417), suggesting this variant is likely a benign polymorphism. Taken together, this variant is classified as Benign.